The following is an entry in ClinVar:

NM_005337.5(NCKAP1L):c.784+5G>A

Gene: NCKAP1L (NCK associated protein 1 like; plus strand). Cytogenetic location: 12q13.2.
Variant type: single nucleotide variant.
Coding change: c.784+5G>A on transcript NM_005337.5 (MANE Select); 5 bases into the intron after coding-DNA position 784, G replaced by A.
Molecular consequence: intron variant.
Genome position (GRCh38, 1-based): chr12:54,511,856, G>A. VCF-style: chr12-54511856-G-A. GRCh37 (hg19) VCF-style: chr12-54905640-G-A.
Other names: c.634+5G>A (NM_001184976.2).
Identifiers: ClinVar variation 1905088 (VCV001905088.5), dbSNP rs374983216, ClinGen allele CA6608931.

ClinVar aggregate classification (germline): Uncertain significance (1 of 4 stars; one submission).

Allele frequency attached by ClinVar (database versions not stated): ExAC 0.00001; ESP Exome Variant Server 0.00008.
gnomAD v4.1: 19 of 1,614,090 alleles (0.0012%); highest among the groups gnomAD compares: Admixed American, 0.015%; no homozygotes.

Submission:

Labcorp Genetics (formerly Invitae), Labcorp
Classification: Uncertain significance. Last evaluated: 2022-08-12. Review status: criteria provided, single submitter. Criteria: Invitae Variant Classification Sherloc (09022015). Collection method: clinical testing. Allele origin: germline.
Comment: This variant has not been reported in the literature in individuals affected with NCKAP1L-related conditions. In summary, the available evidence is currently insufficient to determine the role of this variant in disease. Therefore, it has been classified as a Variant of Uncertain Significance. Variants that disrupt the consensus splice site are a relatively common cause of aberrant splicing (PMID: 17576681, 9536098). Algorithms developed to predict the effect of sequence changes on RNA splicing suggest that this variant may disrupt the consensus splice site. This variant is present in population databases (rs374983216, gnomAD 0.01%). This sequence change falls in intron 8 of the NCKAP1L gene. It does not directly change the encoded amino acid sequence of the NCKAP1L protein. It affects a nucleotide within the consensus splice site.

Literature cited by the submitters: PubMed 17576681; PubMed 9536098.